The following is an entry in ClinVar:

ClinVar aggregate classification (germline): Uncertain significance (1 of 4 stars; one submission).

Conditions:
THSD4-related disorder. Also called: THSD4-related condition.

gnomAD v4.1: 21 of 1,614,098 alleles (0.0013%); highest among the groups gnomAD compares: Non-Finnish European, 0.0017%; no homozygotes.

Submission:

PreventionGenetics, part of Exact Sciences
Classification: Uncertain significance for THSD4-related condition. Last evaluated: 2026-04-24. Review status: criteria provided, single submitter. Criteria: ACMG Guidelines, 2015. Collection method: clinical testing. Allele origin: germline.
Comment: The THSD4 c.1384A>C variant is predicted to result in the amino acid substitution p.Ile462Leu. To our knowledge, this variant has not been reported in the literature. This variant is reported in 0.0018% of alleles in individuals of European (Non-Finnish) descent in gnomAD. At this time, the clinical significance of this variant is uncertain due to the absence of conclusive functional and genetic evidence.

NM_024817.3(THSD4):c.1384A>C (p.Ile462Leu)

Gene: THSD4 (thrombospondin type 1 domain containing 4; plus strand). Cytogenetic location: 15q23.
Variant type: single nucleotide variant.
Coding change: c.1384A>C on transcript NM_024817.3 (MANE Select); coding-DNA position 1384, A replaced by C.
Protein change: p.Ile462Leu; replaces isoleucine 462 with leucine.
Molecular consequence: missense variant.
Genome position (GRCh38, 1-based): chr15:71,728,575, A>C. VCF-style: chr15-71728575-A-C. GRCh37 (hg19) VCF-style: chr15-72020914-A-C.
Other names: c.304A>C, p.Ile102Leu (NM_001286429.2); c.1384A>C, p.Ile462Leu (NM_001394532.1); short protein forms I462L, I102L.
Identifiers: ClinVar variation 4981318 (VCV004981318.1).